The following is an entry in ClinVar:

ClinVar aggregate classification (germline): Uncertain significance (1 of 4 stars; one submission).

Conditions:
Inborn genetic diseases. Identifiers: MedGen C0950123, MeSH D030342.

Submission:

Ambry Genetics
Classification: Uncertain significance for Inborn genetic diseases. Last evaluated: 2026-06-14. Review status: criteria provided, single submitter. Criteria: Ambry Variant Classification Scheme 2023. Collection method: clinical testing. Allele origin: germline.
Comment: The p.E931V variant (also known as c.2792A>T), located in coding exon 13 of the ASXL1 gene, results from an A to T substitution at nucleotide position 2792. The glutamic acid at codon 931 is replaced by valine, an amino acid with dissimilar properties. This amino acid position is conserved. In addition, this alteration is predicted to be tolerated by in silico analysis. Based on the available evidence, the clinical significance of this variant remains unclear.

NM_015338.6(ASXL1):c.2792A>T (p.Glu931Val)

Gene: ASXL1 (ASXL transcriptional regulator 1; plus strand). Cytogenetic location: 20q11.21.
Variant type: single nucleotide variant.
Coding change: c.2792A>T on transcript NM_015338.6 (MANE Select); coding-DNA position 2792, A replaced by T.
Protein change: p.Glu931Val; replaces glutamic acid 931 with valine.
Molecular consequence: missense variant.
Genome position (GRCh38, 1-based): chr20:32,435,504, A>T. VCF-style: chr20-32435504-A-T. GRCh37 (hg19) VCF-style: chr20-31023307-A-T.
Other names: c.2609A>T, p.Glu870Val (NM_001363734.1); short protein forms E870V, E931V.
Identifiers: ClinVar variation 4865131 (VCV004865131.1).